The following is an entry in ClinVar:

ClinVar aggregate classification (germline): Uncertain significance (1 of 4 stars; one submission).

Conditions:
Familial cancer of breast. Also called: Hereditary breast cancer; BREAST CANCER, FAMILIAL; hereditary breast carcinoma. Identifiers: Orphanet 227535, MedGen C0346153, MONDO:0016419, OMIM 114480. Disease mechanism: loss of function.

Submission:

Labcorp Genetics (formerly Invitae), Labcorp
Classification: Uncertain significance for Familial cancer of breast. Last evaluated: 2026-01-06. Review status: criteria provided, single submitter. Criteria: Invitae Variant Classification Sherloc (09022015). Collection method: clinical testing. Allele origin: germline.
Comment: This sequence change replaces threonine, which is neutral and polar, with serine, which is neutral and polar, at codon 1133 of the PALB2 protein (p.Thr1133Ser). This variant is not present in population databases (gnomAD no frequency). This variant has not been reported in the literature in individuals affected with PALB2-related conditions. ClinVar contains an entry for this variant (Variation ID: 2762083). An algorithm developed to predict the effect of missense changes on protein structure and function (PolyPhen-2) suggests that this variant is likely to be disruptive. In summary, the available evidence is currently insufficient to determine the role of this variant in disease. Therefore, it has been classified as a Variant of Uncertain Significance.

NM_024675.4(PALB2):c.3397A>T (p.Thr1133Ser)

Gene: PALB2 (partner and localizer of BRCA2; minus strand). Cytogenetic location: 16p12.2.
Variant type: single nucleotide variant.
Coding change: c.3397A>T on transcript NM_024675.4 (MANE Select); coding-DNA position 3397, A replaced by T.
Protein change: p.Thr1133Ser; replaces threonine 1133 with serine.
Molecular consequence: missense variant. On other transcripts: 3 prime UTR variant (5).
Genome position (GRCh38, 1-based): chr16:23,603,623, T>A on the plus strand (A>T on the coding strand, the complement: PALB2 is on the minus strand). VCF-style: chr16-23603623-T-A. GRCh37 (hg19) VCF-style: chr16-23614944-T-A.
Other names: c.3337A>T, p.Thr1113Ser (NM_001407296.1); c.3325A>T, p.Thr1109Ser (NM_001407297.1); c.3235A>T, p.Thr1079Ser (NM_001407298.1); c.3160A>T, p.Thr1054Ser (NM_001407299.1); c.3118A>T, p.Thr1040Ser (NM_001407300.1); c.*32A>T (NM_001407301.1, NM_001407302.1, NM_001407310.1 and 2 more transcripts); c.2512A>T, p.Thr838Ser (NM_001407304.1, NM_001407305.1, NM_001407306.1); c.2350A>T, p.Thr784Ser (NM_001407307.1); and 3 more; short protein forms T1054S, T311S, T1079S, T1113S, T784S, T1040S, T537S, T759S.
Identifiers: ClinVar variation 2762083 (VCV002762083.3), dbSNP rs2142254680, ClinGen allele CA395138253.